The following is an entry in ClinVar:

ClinVar aggregate classification (germline): Uncertain significance (1 of 4 stars; one submission).

Submission:

Labcorp Genetics (formerly Invitae), Labcorp
Classification: Uncertain significance. Last evaluated: 2024-10-03. Review status: criteria provided, single submitter. Criteria: Invitae Variant Classification Sherloc (09022015). Collection method: clinical testing. Allele origin: germline.
Comment: This sequence change replaces cysteine, which is neutral and slightly polar, with phenylalanine, which is neutral and non-polar, at codon 417 of the DLL3 protein (p.Cys417Phe). This variant is not present in population databases (gnomAD no frequency). This missense change has been observed in individual(s) with clinical features of DLL3-related conditions (PMID: 36140491; internal data). An algorithm developed to predict the effect of missense changes on protein structure and function (PolyPhen-2) suggests that this variant is likely to be disruptive. In summary, the available evidence is currently insufficient to determine the role of this variant in disease. Therefore, it has been classified as a Variant of Uncertain Significance.

Literature cited by the submitters: PubMed 36140491.

NM_203486.3(DLL3):c.1250G>T (p.Cys417Phe)

Genes: DLL3 (delta like canonical Notch ligand 3; plus strand), LOC130064418 (ATAC-STARR-seq lymphoblastoid silent region 10609; plus strand). Cytogenetic location: 19q13.2.
Variant type: single nucleotide variant.
Coding change: c.1250G>T on transcript NM_203486.3 (MANE Select); coding-DNA position 1250, G replaced by T.
Protein change: p.Cys417Phe; replaces cysteine 417 with phenylalanine.
Molecular consequence: missense variant.
Genome position (GRCh38, 1-based): chr19:39,507,195, G>T. VCF-style: chr19-39507195-G-T. GRCh37 (hg19) VCF-style: chr19-39997835-G-T.
Other names: c.1250G>T, p.Cys417Phe (NM_016941.4); short protein forms C417F.
Identifiers: ClinVar variation 3710052 (VCV003710052.2).